The following is an entry in ClinVar:

ClinVar aggregate classification (germline): Uncertain significance. Review status: criteria provided, multiple submitters, no conflicts (2 of 4 stars). 2 submissions from 2 submitters: Uncertain significance (2). Last evaluated 2025-03-25.

Conditions:
Benign neonatal seizures. Also called: Convulsions benign familial neonatal dominant form; Autosomal dominant form of benign neonatal seizures; Benign neonatal familial convulsions; Benign familial neonatal seizures; Benign familial neonatal epilepsy. Identifiers: Orphanet 1949, MedGen C0220669, MONDO:0016027.

Submissions (2):

GeneDx
Classification: Uncertain significance. Last evaluated: 2025-03-25. Review status: criteria provided, single submitter. Criteria: GeneDx Variant Classification Process June 2021. Collection method: clinical testing. Allele origin: germline. Affected: yes.
Comment: Not observed at significant frequency in large population cohorts (gnomAD); In silico analysis supports that this missense variant has a deleterious effect on protein structure/function; Has not been previously published as pathogenic or benign to our knowledge

Labcorp Genetics (formerly Invitae), Labcorp
Classification: Uncertain significance for Benign neonatal seizures. Last evaluated: 2022-09-27. Review status: criteria provided, single submitter. Criteria: Invitae Variant Classification Sherloc (09022015). Collection method: clinical testing. Allele origin: germline.
Comment: This variant has not been reported in the literature in individuals affected with KCNQ3-related conditions. ClinVar contains an entry for this variant (Variation ID: 1055480). Advanced modeling of protein sequence and biophysical properties (such as structural, functional, and spatial information, amino acid conservation, physicochemical variation, residue mobility, and thermodynamic stability) performed at Invitae indicates that this missense variant is expected to disrupt KCNQ3 protein function. In summary, the available evidence is currently insufficient to determine the role of this variant in disease. Therefore, it has been classified as a Variant of Uncertain Significance. This sequence change replaces leucine, which is neutral and non-polar, with phenylalanine, which is neutral and non-polar, at codon 249 of the KCNQ3 protein (p.Leu249Phe). This variant is not present in population databases (gnomAD no frequency).

NM_004519.4(KCNQ3):c.745C>T (p.Leu249Phe)

Gene: KCNQ3 (potassium voltage-gated channel subfamily Q member 3; minus strand). Cytogenetic location: 8q24.22.
Variant type: single nucleotide variant.
Coding change: c.745C>T on transcript NM_004519.4 (MANE Select); coding-DNA position 745, C replaced by T.
Protein change: p.Leu249Phe; replaces leucine 249 with phenylalanine.
Molecular consequence: missense variant.
Genome position (GRCh38, 1-based): chr8:132,180,189, G>A on the plus strand (C>T on the coding strand, the complement: KCNQ3 is on the minus strand). VCF-style: chr8-132180189-G-A. GRCh37 (hg19) VCF-style: chr8-133192436-G-A.
Other names: c.385C>T, p.Leu129Phe (NM_001204824.2); c.745C>T (NM_004519.3); short protein forms L129F, L249F.
Identifiers: ClinVar variation 1055480 (VCV001055480.11), dbSNP rs2130156460, ClinGen allele CA372290719.